The following is an entry in ClinVar:

ClinVar aggregate classification (germline): Uncertain significance. Review status: criteria provided, multiple submitters, no conflicts (2 of 4 stars). 2 submissions from 2 submitters: Uncertain significance (2). Last evaluated 2022-06-20.

Conditions:
Glycogen storage disease, type V (GSD5). Also called: MCARDLE DISEASE; McArdle type glycogen storage disease; MUSCLE GLYCOGEN PHOSPHORYLASE DEFICIENCY; MYOPHOSPHORYLASE DEFICIENCY; PYGM DEFICIENCY. Identifiers: Orphanet 368, MedGen C0017924, MONDO:0009293, OMIM 232600.

Allele frequency attached by ClinVar (database versions not stated): gnomAD exomes 0.00001 and 0.00002; gnomAD 0.00002 and 0.00003; TOPMed 0.00002.
gnomAD v4.1: 37 of 1,614,056 alleles (0.0023%); highest among the groups gnomAD compares: Non-Finnish European, 0.003%; no homozygotes.

Submissions (2):

Labcorp Genetics (formerly Invitae), Labcorp
Classification: Uncertain significance for Glycogen storage disease, type V. Last evaluated: 2022-06-20. Review status: criteria provided, single submitter. Criteria: Invitae Variant Classification Sherloc (09022015). Collection method: clinical testing. Allele origin: germline.
Comment: This sequence change replaces glutamic acid with lysine at codon 779 of the PYGM protein (p.Glu779Lys). The glutamic acid residue is moderately conserved and there is a small physicochemical difference between glutamic acid and lysine. This variant is present in population databases (no rsID available, gnomAD 0.003%). This variant has not been reported in the literature in individuals affected with PYGM-related conditions. Algorithms developed to predict the effect of missense changes on protein structure and function are either unavailable or do not agree on the potential impact of this missense change (SIFT: "Not Available"; PolyPhen-2: "Possibly Damaging"; Align-GVGD: "Not Available"). In summary, the available evidence is currently insufficient to determine the role of this variant in disease. Therefore, it has been classified as a Variant of Uncertain Significance.

Revvity Omics, Revvity
Classification: Uncertain significance for Glycogen storage disease, type V. Last evaluated: 2020-09-09. Review status: criteria provided, single submitter. Criteria: ACMG Guidelines, 2015. Collection method: clinical testing. Allele origin: germline.

NM_005609.4(PYGM):c.2335G>A (p.Glu779Lys)

Gene: PYGM (glycogen phosphorylase, muscle associated; minus strand). Cytogenetic location: 11q13.1.
Variant type: single nucleotide variant.
Coding change: c.2335G>A on transcript NM_005609.4 (MANE Select); coding-DNA position 2335, G replaced by A.
Protein change: p.Glu779Lys; replaces glutamic acid 779 with lysine.
Molecular consequence: missense variant.
Genome position (GRCh38, 1-based): chr11:64,746,965, C>T on the plus strand (G>A on the coding strand, the complement: PYGM is on the minus strand). VCF-style: chr11-64746965-C-T. GRCh37 (hg19) VCF-style: chr11-64514437-C-T.
Other names: c.2071G>A, p.Glu691Lys (NM_001164716.1); short protein forms E779K, E691K.
Identifiers: ClinVar variation 1420217 (VCV001420217.5), dbSNP rs1014177089, ClinGen allele CA223894767.